The following is an entry in ClinVar:

ClinVar aggregate classification (germline): Pathogenic (1 of 4 stars; one submission).

Conditions:
Ataxia-telangiectasia syndrome (AT). Also called: LOUIS-BAR SYNDROME; Ataxia-telangiectasia, complementation group D; AT, COMPLEMENTATION GROUP C; Cerebello-oculocutaneous telangiectasia; Immunodeficiency with ataxia telangiectasia; ATAXIA-TELANGIECTASIA, COMPLEMENTATION GROUP A. Identifiers: Orphanet 100, MedGen C0004135, MONDO:0008840, OMIM 208900.

Submission:

Labcorp Genetics (formerly Invitae), Labcorp
Classification: Pathogenic for Ataxia-telangiectasia syndrome. Last evaluated: 2020-08-27. Review status: criteria provided, single submitter. Criteria: Invitae Variant Classification Sherloc (09022015). Collection method: clinical testing. Allele origin: germline.
Comment: This sequence change creates a premature translational stop signal (p.Thr656Leufs*8) in the ATM gene. It is expected to result in an absent or disrupted protein product. This variant is not present in population databases (ExAC no frequency). This variant has not been reported in the literature in individuals with ATM-related conditions. Loss-of-function variants in ATM are known to be pathogenic (PMID: 23807571, 25614872). For these reasons, this variant has been classified as Pathogenic.

Literature cited by the submitters: PubMed 23807571; PubMed 25614872.

NM_000051.4(ATM):c.1966del (p.Thr656fs)

Gene: ATM (ATM serine/threonine kinase; plus strand). Cytogenetic location: 11q22.3.
Variant type: Deletion.
Coding change: c.1966del on transcript NM_000051.4 (MANE Select); coding-DNA position 1966, one base deleted (A; older notation c.1966delA).
Protein change: p.Thr656fs; shifts the reading frame from threonine 656.
Molecular consequence: frameshift variant.
Genome position (GRCh38, 1-based): chr11:108,253,881, A deleted; the last of 2 consecutive A bases (chr11:108,253,880-108,253,881); deleting either gives the same sequence. VCF-style (leftmost placement, unchanged base first): chr11-108253879-CA-C. GRCh37 (hg19) VCF-style: chr11-108124606-CA-C.
Other names: c.1966del, p.Thr656fs (NM_001351834.2); short protein forms T656fs.
Identifiers: ClinVar variation 1069643 (VCV001069643.7), dbSNP rs2135367757, ClinGen allele CA2499220580.